The following is an entry in ClinVar:

NM_172364.5(CACNA2D4):c.608C>A (p.Ser203Tyr)

Gene: CACNA2D4 (calcium voltage-gated channel auxiliary subunit alpha2delta 4; minus strand). Cytogenetic location: 12p13.33.
Variant type: single nucleotide variant.
Coding change: c.608C>A on transcript NM_172364.5 (MANE Select); coding-DNA position 608, C replaced by A.
Protein change: p.Ser203Tyr; replaces serine 203 with tyrosine.
Molecular consequence: missense variant.
Genome position (GRCh38, 1-based): chr12:1,907,916, G>T on the plus strand (C>A on the coding strand, the complement: CACNA2D4 is on the minus strand). VCF-style: chr12-1907916-G-T. GRCh37 (hg19) VCF-style: chr12-2017082-G-T.
Other names: short protein forms S203Y.
Identifiers: ClinVar variation 1461604 (VCV001461604.6), dbSNP rs1866704658, ClinGen allele CA383364229.

ClinVar aggregate classification (germline): Uncertain significance (1 of 4 stars; one submission).

Allele frequency attached by ClinVar (database versions not stated): TOPMed below 0.00001.
gnomAD v4.1: 7 of 1,614,074 alleles (0.00043%); highest among the groups gnomAD compares: South Asian, 0.0011%; no homozygotes.

Submission:

Labcorp Genetics (formerly Invitae), Labcorp
Classification: Uncertain significance. Last evaluated: 2022-07-12. Review status: criteria provided, single submitter. Criteria: Invitae Variant Classification Sherloc (09022015). Collection method: clinical testing. Allele origin: germline.
Comment: This sequence change replaces serine, which is neutral and polar, with tyrosine, which is neutral and polar, at codon 203 of the CACNA2D4 protein (p.Ser203Tyr). This variant is not present in population databases (gnomAD no frequency). In summary, the available evidence is currently insufficient to determine the role of this variant in disease. Therefore, it has been classified as a Variant of Uncertain Significance. Algorithms developed to predict the effect of missense changes on protein structure and function are either unavailable or do not agree on the potential impact of this missense change (SIFT: "Deleterious"; PolyPhen-2: "Probably Damaging"; Align-GVGD: "Class C0"). ClinVar contains an entry for this variant (Variation ID: 1461604). This variant has not been reported in the literature in individuals affected with CACNA2D4-related conditions.